The following is an entry in ClinVar:

ClinVar aggregate classification (germline): Uncertain significance (1 of 4 stars; one submission).

Allele frequency attached by ClinVar (database versions not stated): ExAC 0.00001; gnomAD 0.00001; gnomAD exomes 0.00001; TOPMed 0.00002.
gnomAD v4.1: 49 of 1,612,758 alleles (0.003%); highest among the groups gnomAD compares: Non-Finnish European, 0.0037%; no homozygotes.

Submission:

Labcorp Genetics (formerly Invitae), Labcorp
Classification: Uncertain significance. Last evaluated: 2023-12-07. Review status: criteria provided, single submitter. Criteria: Invitae Variant Classification Sherloc (09022015). Collection method: clinical testing. Allele origin: germline.
Comment: This sequence change replaces threonine, which is neutral and polar, with methionine, which is neutral and non-polar, at codon 643 of the SAMD11 protein (p.Thr643Met). This variant is present in population databases (rs372483503, gnomAD 0.003%). This variant has not been reported in the literature in individuals affected with SAMD11-related conditions. ClinVar contains an entry for this variant (Variation ID: 1000618). Algorithms developed to predict the effect of missense changes on protein structure and function output the following: SIFT: "Not Available"; PolyPhen-2: "Benign"; Align-GVGD: "Not Available". The methionine amino acid residue is found in multiple mammalian species, which suggests that this missense change does not adversely affect protein function. In summary, the available evidence is currently insufficient to determine the role of this variant in disease. Therefore, it has been classified as a Variant of Uncertain Significance.

NM_001385641.1(SAMD11):c.2417C>T (p.Thr806Met)

Gene: SAMD11 (sterile alpha motif domain containing 11; plus strand). Cytogenetic location: 1p36.33.
Variant type: single nucleotide variant.
Coding change: c.2417C>T on transcript NM_001385641.1 (MANE Select); coding-DNA position 2417, C replaced by T.
Protein change: p.Thr806Met; replaces threonine 806 with methionine.
Molecular consequence: missense variant.
Genome position (GRCh38, 1-based): chr1:944,035, C>T. VCF-style: chr1-944035-C-T. GRCh37 (hg19) VCF-style: chr1-879415-C-T.
Other names: c.2420C>T, p.Thr807Met (NM_001385640.1); c.1928C>T, p.Thr643Met (NM_152486.4); short protein forms T643M, T806M, T807M.
Identifiers: ClinVar variation 1000618 (VCV001000618.7), dbSNP rs372483503, ClinGen allele CA503395.
Genomic context (GRCh38, chr1:944,035, plus strand): 5'-CAACCCTGCGGGCCCCGGAGCGAGAACTCGGCACAGGAGAGCAGCCCTTGTCCCCCACGA[C>T]GGCCACGTCCCCCTATGGAGGGGGCCACGCCCTTGCCGGTCAAACTTCACCCAAGCAGGA-3'
Protein context (NP_001372570.1, residues 796-816): GTGEQPLSPT[Thr806Met]ATSPYGGGHA